The following is an entry in ClinVar:

NM_002769.5(PRSS1):c.395C>G (p.Pro132Arg)

Genes: PRSS1 (serine protease 1; plus strand), TRB (T cell receptor beta locus; plus strand). Cytogenetic location: 7q34.
Variant type: single nucleotide variant.
Coding change: c.395C>G on transcript NM_002769.5 (MANE Select); coding-DNA position 395, C replaced by G.
Protein change: p.Pro132Arg; replaces proline 132 with arginine.
Molecular consequence: missense variant. On other transcripts: non-coding transcript variant (5).
Genome position (GRCh38, 1-based): chr7:142,751,968, C>G. VCF-style: chr7-142751968-C-G. GRCh37 (hg19) VCF-style: chr7-142459819-C-G.
Other names: short protein forms P132R.
Identifiers: ClinVar variation 3310645 (VCV003310645.1).

ClinVar aggregate classification (germline): Uncertain significance (1 of 4 stars; one submission).

Conditions:
Hereditary pancreatitis (PCTT). Also called: PRSS1-Related Hereditary Pancreatitis; Hereditary chronic pancreatitis. Identifiers: Orphanet 676, MedGen C0238339, MONDO:0008185, OMIM 167800.

gnomAD v4.1: 2 of 1,614,120 alleles (0.00012%); highest among the groups gnomAD compares: Non-Finnish European, 0.00017%; no homozygotes.

Submission:

Ambry Genetics
Classification: Uncertain significance for Hereditary pancreatitis. Last evaluated: 2024-04-10. Review status: criteria provided, single submitter. Criteria: Ambry Variant Classification Scheme 2023. Collection method: clinical testing. Allele origin: germline.
Comment: The p.P132R variant (also known as c.395C>G), located in coding exon 3 of the PRSS1 gene, results from a C to G substitution at nucleotide position 395. The proline at codon 132 is replaced by arginine, an amino acid with dissimilar properties. This amino acid position is conserved. In addition, the in silico prediction for this alteration is inconclusive. Based on the available evidence, the clinical significance of this variant remains unclear.